The following is an entry in ClinVar:

NM_006767.4(LZTR1):c.1901A>C (p.Gln634Pro)

Gene: LZTR1 (leucine zipper like post translational regulator 1; plus strand). Cytogenetic location: 22q11.21.
Variant type: single nucleotide variant.
Coding change: c.1901A>C on transcript NM_006767.4 (MANE Select); coding-DNA position 1901, A replaced by C.
Protein change: p.Gln634Pro; replaces glutamine 634 with proline.
Molecular consequence: missense variant.
Genome position (GRCh38, 1-based): chr22:20,994,985, A>C. VCF-style: chr22-20994985-A-C. GRCh37 (hg19) VCF-style: chr22-21349274-A-C.
Other names: short protein forms Q634P.
Identifiers: ClinVar variation 561735 (VCV000561735.14), dbSNP rs770312150, ClinGen allele CA10119100.

ClinVar aggregate classification (germline): Conflicting classifications of pathogenicity. Review status: criteria provided, conflicting classifications (1 of 4 stars). 5 submissions from 5 submitters: Uncertain significance (4); Benign (1). Last evaluated 2026-01-13.

Conditions:
LZTR1-related schwannomatosis. Also called: Schwannomatosis 2; Schwannomatosis-2, susceptibility to. Identifiers: Orphanet 93921, MedGen C3810283, MONDO:0014299, OMIM 615670.
Cardiovascular phenotype. Identifiers: MedGen CN230736.
Hereditary cancer-predisposing syndrome. Also called: Hereditary neoplastic syndrome; Neoplastic Syndromes, Hereditary; Tumor predisposition; Hereditary Cancer Syndrome. Identifiers: Orphanet 140162, MedGen C0027672, MeSH D009386, MONDO:0015356.

Allele frequency attached by ClinVar (database versions not stated): gnomAD below 0.00001 and 0.00001; TOPMed 0.00001; gnomAD exomes 0.00006; ExAC 0.00010.
gnomAD v4.1: 43 of 1,612,914 alleles (0.0027%); highest among the groups gnomAD compares: South Asian, 0.043%; no homozygotes.

Submissions (5):

Labcorp Genetics (formerly Invitae), Labcorp
Classification: Uncertain significance. Last evaluated: 2026-01-13. Review status: criteria provided, single submitter. Criteria: Invitae Variant Classification Sherloc (09022015). Collection method: clinical testing. Allele origin: germline.
Comment: This sequence change replaces glutamine, which is neutral and polar, with proline, which is neutral and non-polar, at codon 634 of the LZTR1 protein (p.Gln634Pro). This variant is present in population databases (rs770312150, gnomAD 0.04%). This variant has not been reported in the literature in individuals affected with LZTR1-related conditions. ClinVar contains an entry for this variant (Variation ID: 561735). Invitae Evidence Modeling of protein sequence and biophysical properties (such as structural, functional, and spatial information, amino acid conservation, physicochemical variation, residue mobility, and thermodynamic stability) indicates that this missense variant is not expected to disrupt LZTR1 protein function with a negative predictive value of 80%. In summary, the available evidence is currently insufficient to determine the role of this variant in disease. Therefore, it has been classified as a Variant of Uncertain Significance.

Women's Health and Genetics/Laboratory Corporation of America, LabCorp
Classification: Uncertain significance. Last evaluated: 2025-03-13. Review status: criteria provided, single submitter. Criteria: LabCorp Variant Classification Summary - May 2015. Collection method: clinical testing. Allele origin: germline.
Comment: Variant summary: LZTR1 c.1901A>C (p.Gln634Pro) results in a non-conservative amino acid change in the encoded protein sequence. Three of five in-silico tools predict a damaging effect of the variant on protein function. The variant allele was found at a frequency of 6e-05 in 250344 control chromosomes, predominantly at a frequency of 0.00042 within the South Asian subpopulation in the gnomAD database. This frequency is not significantly higher than estimated for a pathogenic variant in LZTR1 causing Noonan Syndrome 2 (6e-05 vs 0.0032), allowing no conclusion about variant significance. To our knowledge, no occurrence of c.1901A>C in individuals affected with Noonan Syndrome 2 and no experimental evidence demonstrating its impact on protein function have been reported. ClinVar contains an entry for this variant (Variation ID: 561735). Based on the evidence outlined above, the variant was classified as uncertain significance.

GeneDx
Classification: Uncertain significance. Last evaluated: 2023-11-29. Review status: criteria provided, single submitter. Criteria: GeneDx Variant Classification Process June 2021. Collection method: clinical testing. Allele origin: germline. Affected: yes.
Comment: In silico analysis supports that this missense variant does not alter protein structure/function; Has not been previously published as pathogenic or benign to our knowledge

Ambry Genetics
Classification: Benign for Cardiovascular phenotype; Hereditary cancer-predisposing syndrome. Last evaluated: 2023-10-24. Review status: criteria provided, single submitter. Criteria: Ambry Variant Classification Scheme 2023. Collection method: clinical testing. Allele origin: germline.

Baylor Genetics
Classification: Uncertain significance for LZTR1-related schwannomatosis. Last evaluated: 2023-08-21. Review status: criteria provided, single submitter. Criteria: ACMG Guidelines, 2015. Collection method: clinical testing. Allele origin: unknown.